The following is an entry in ClinVar:

NM_006015.6(ARID1A):c.3198+5G>A

Gene: ARID1A (AT-rich interaction domain 1A; plus strand). Cytogenetic location: 1p36.11.
Variant type: single nucleotide variant.
Coding change: c.3198+5G>A on transcript NM_006015.6 (MANE Select); 5 bases into the intron after coding-DNA position 3198, G replaced by A.
Molecular consequence: intron variant.
Genome position (GRCh38, 1-based): chr1:26,768,004, G>A. VCF-style: chr1-26768004-G-A. GRCh37 (hg19) VCF-style: chr1-27094495-G-A.
Other names: c.3198+5G>A (NM_139135.4).
Identifiers: ClinVar variation 3897603 (VCV003897603.2).

ClinVar aggregate classification (germline): Likely pathogenic. Review status: criteria provided, multiple submitters, no conflicts (2 of 4 stars). 2 submissions from 2 submitters: Likely pathogenic (2). Last evaluated 2024-12-26.

Conditions:
Intellectual disability, autosomal dominant 14 (CSS2). Also called: COFFIN-SIRIS SYNDROME 2. Identifiers: Orphanet 1465, MedGen C3553247, MONDO:0013819, OMIM 614607.

Submissions (2):

GeneDx
Classification: Likely pathogenic. Last evaluated: 2024-12-26. Review status: criteria provided, single submitter. Criteria: GeneDx Variant Classification Process June 2021. Collection method: clinical testing. Allele origin: germline. Affected: yes.
Comment: Not observed at significant frequency in large population cohorts (gnomAD); In silico analysis indicates that this variant does not alter splicing; Has not been previously published as pathogenic or benign to our knowledge

Genetics Laboratory, UDIAT-Centre Diagnòstic, Hospital Universitari Parc Tauli
Classification: Likely pathogenic for intellectual disability, autosomal dominant 14. Last evaluated: 2020-11-10. Review status: criteria provided, single submitter. Criteria: ACMG Guidelines, 2015. Collection method: clinical testing. Allele origin: unknown. Inheritance: Autosomal dominant inheritance. Affected: yes.
Comment: PS3_supporting;PM2_supporting;PM4_moderate;PM6_moderate;PP3_supporting